The following is an entry in ClinVar:

ClinVar aggregate classification (germline): Uncertain significance (1 of 4 stars; one submission).

Conditions:
Focal segmental glomerulosclerosis 5 (FSGS5). Identifiers: Orphanet 656, MedGen C2750475, MONDO:0013191, OMIM 613237.
Charcot-Marie-Tooth disease dominant intermediate E. Also called: CHARCOT-MARIE-TOOTH NEUROPATHY WITH FOCAL SEGMENTAL GLOMERULONEPHRITIS. Identifiers: Orphanet 93114, MedGen C4302667, MONDO:0013758, OMIM 614455.

Submission:

Labcorp Genetics (formerly Invitae), Labcorp
Classification: Uncertain significance for Charcot-Marie-Tooth disease dominant intermediate E; Focal segmental glomerulosclerosis 5. Last evaluated: 2025-05-01. Review status: criteria provided, single submitter. Criteria: Invitae Variant Classification Sherloc (09022015). Collection method: clinical testing. Allele origin: germline.
Comment: This sequence change replaces aspartic acid, which is acidic and polar, with asparagine, which is neutral and polar, at codon 61 of the INF2 protein (p.Asp61Asn). This variant is not present in population databases (gnomAD no frequency). This variant has not been reported in the literature in individuals affected with INF2-related conditions. Invitae Evidence Modeling of protein sequence and biophysical properties (such as structural, functional, and spatial information, amino acid conservation, physicochemical variation, residue mobility, and thermodynamic stability) has been performed for this missense variant. However, the output from this modeling did not meet the statistical confidence thresholds required to predict the impact of this variant on INF2 protein function. In summary, the available evidence is currently insufficient to determine the role of this variant in disease. Therefore, it has been classified as a Variant of Uncertain Significance.

NM_022489.4(INF2):c.181G>A (p.Asp61Asn)

Gene: INF2 (inverted formin 2; plus strand). Cytogenetic location: 14q32.33.
Variant type: single nucleotide variant.
Coding change: c.181G>A on transcript NM_022489.4 (MANE Select); coding-DNA position 181, G replaced by A.
Protein change: p.Asp61Asn; replaces aspartic acid 61 with asparagine.
Molecular consequence: missense variant. On other transcripts: non-coding transcript variant (1).
Genome position (GRCh38, 1-based): chr14:104,701,546, G>A. VCF-style: chr14-104701546-G-A. GRCh37 (hg19) VCF-style: chr14-105167883-G-A.
Other names: c.181G>A, p.Asp61Asn (NM_001031714.4, NM_001426862.1, NM_001426863.1 and 6 more transcripts); short protein forms D61N.
Identifiers: ClinVar variation 4787871 (VCV004787871.1).